The following is an entry in ClinVar:

NM_004380.3(CREBBP):c.4894T>G (p.Phe1632Val)

Gene: CREBBP (CREB binding lysine acetyltransferase; minus strand). Cytogenetic location: 16p13.3.
Variant type: single nucleotide variant.
Coding change: c.4894T>G on transcript NM_004380.3 (MANE Select); coding-DNA position 4894, T replaced by G.
Protein change: p.Phe1632Val; replaces phenylalanine 1632 with valine.
Molecular consequence: missense variant.
Genome position (GRCh38, 1-based): chr16:3,731,470, A>C on the plus strand (T>G on the coding strand, the complement: CREBBP is on the minus strand). VCF-style: chr16-3731470-A-C. GRCh37 (hg19) VCF-style: chr16-3781471-A-C.
Other names: c.4780T>G, p.Phe1594Val (NM_001079846.1); c.4894T>G (NM_004380.2); short protein forms F1632V, F1594V.
Identifiers: ClinVar variation 2790125 (VCV002790125.6), dbSNP rs587783501, ClinGen allele CA394559126.

ClinVar aggregate classification (germline): Conflicting classifications of pathogenicity. Review status: criteria provided, conflicting classifications (1 of 4 stars). 3 submissions from 3 submitters: Likely pathogenic (2); Uncertain significance (1). Last evaluated 2026-03-04.

Conditions:
Rubinstein-Taybi syndrome due to CREBBP mutations (RSTS1). Also called: RUBINSTEIN-TAYBI SYNDROME 1, INCOMPLETE; BROAD THUMB-HALLUX SYNDROME; CREBBP-Related Rubinstein-Taybi Syndrome; Rubinstein-Taybi syndrome 1; RUBINSTEIN SYNDROME; BROAD THUMBS AND GREAT TOES, CHARACTERISTIC FACIES, AND IMPAIRED INTELLECTUAL DEVELOPMENT. Identifiers: Orphanet 353277, Orphanet 783, MedGen C4551859, MONDO:0008393, OMIM 180849.
Rubinstein-Taybi syndrome (RSTS). Identifiers: Orphanet 783, MedGen C0035934, MONDO:0019188.

Submissions (3):

GeneDx
Classification: Likely pathogenic. Last evaluated: 2026-03-04. Review status: criteria provided, single submitter. Criteria: GeneDx Variant Classification Process June 2021. Collection method: clinical testing. Allele origin: germline.
Comment: Identified in patients with RSTS1 syndrome, however, detailed clinical and segregation information were not provided (PMID: 32109418, 35904121); Reported as de novo in a proband with autism; however, detailed clinical information was not provided, and some individuals in this cohort had de novo variants in other genes (PMID: 35982159); In silico analysis supports that this missense variant has a deleterious effect on protein structure/function; Not observed at significant frequency in large population cohorts (gnomAD); This variant is associated with the following publications: (PMID: 12070251, 33057194, 35982159, 35904121, 32109418)

MVZ Martinsried, Medicover Genetics
Classification: Likely pathogenic for Rubinstein-Taybi syndrome due to CREBBP mutations. Last evaluated: 2025-01-17. Review status: criteria provided, single submitter. Criteria: ACGS Guidelines, 2020. Collection method: clinical testing. Allele origin: de novo. Affected: yes. Observed: 1 heterozygote.

Labcorp Genetics (formerly Invitae), Labcorp
Classification: Uncertain significance for Rubinstein-Taybi syndrome. Last evaluated: 2023-02-26. Review status: criteria provided, single submitter. Criteria: Invitae Variant Classification Sherloc (09022015). Collection method: clinical testing. Allele origin: germline.
Comment: In summary, the available evidence is currently insufficient to determine the role of this variant in disease. Therefore, it has been classified as a Variant of Uncertain Significance. Advanced modeling of protein sequence and biophysical properties (such as structural, functional, and spatial information, amino acid conservation, physicochemical variation, residue mobility, and thermodynamic stability) performed at Invitae indicates that this missense variant is expected to disrupt CREBBP protein function. This variant has not been reported in the literature in individuals affected with CREBBP-related conditions. This variant is not present in population databases (gnomAD no frequency). This sequence change replaces phenylalanine, which is neutral and non-polar, with valine, which is neutral and non-polar, at codon 1632 of the CREBBP protein (p.Phe1632Val).